The following is an entry in ClinVar:

ClinVar aggregate classification (germline): Benign (0 of 4 stars; one submission).

Conditions:
GADD45G-related disorder. Also called: GADD45G-related condition.

Allele frequency attached by ClinVar (database versions not stated): ESP Exome Variant Server 0.00023; gnomAD 0.00256; ExAC 0.00450; 1000 Genomes Project 0.00539; 1000 Genomes Project 30x 0.00671.

Submission:

PreventionGenetics, part of Exact Sciences
Classification: Benign for GADD45G-related condition. Last evaluated: 2019-02-22. Review status: no assertion criteria provided. Collection method: clinical testing. Allele origin: germline.
Comment: This variant is classified as benign based on ACMG/AMP sequence variant interpretation guidelines (Richards et al. 2015 PMID: 25741868, with internal and published modifications).

NM_006705.4(GADD45G):c.*10G>A

Gene: GADD45G (growth arrest and DNA damage inducible gamma; plus strand). Cytogenetic location: 9q22.2.
Variant type: single nucleotide variant.
Coding change: c.*10G>A on transcript NM_006705.4 (MANE Select); 10 bases downstream of the stop codon, G replaced by A.
Molecular consequence: 3 prime UTR variant.
Genome position (GRCh38, 1-based): chr9:89,606,089, G>A. VCF-style: chr9-89606089-G-A. GRCh37 (hg19) VCF-style: chr9-92221004-G-A.
Identifiers: ClinVar variation 3060005 (VCV003060005.2), dbSNP rs5031028, ClinGen allele CA5118980.
Genomic context (GRCh38, chr9:89,606,089, plus strand): 5'-GAGAGCCGCAGCGTTAACGACTGGGTGCCCAGCATCACCCTCCCCGAGTGACAGCCCGGC[G>A]GGGACCTTGGTCTGATCGACGTGGTGACGCCCCGGGGCGCCTAGAGCGCGGCTGGCTCTG-3'